The following is an entry in ClinVar:

ClinVar aggregate classification (germline): Uncertain significance. Review status: criteria provided, multiple submitters, no conflicts (2 of 4 stars). 2 submissions from 2 submitters: Uncertain significance (2). Last evaluated 2023-10-11.

Conditions:
Progressive sclerosing poliodystrophy (MTDPS4A). Also called: ALPERS PROGRESSIVE INFANTILE POLIODYSTROPHY; NEURONAL DEGENERATION OF CHILDHOOD WITH LIVER DISEASE, PROGRESSIVE; Mitochondrial DNA depletion syndrome 4A (Alpers type); Mitochondrial DNA Depletion Syndrome 4A; Alpers-Huttenlocher Syndrome (AHS); Alpers Syndrome. Identifiers: Orphanet 726, MedGen C0205710, MONDO:0008758, OMIM 203700.

gnomAD v4.1: 8 of 1,613,804 alleles (0.0005%); highest among the groups gnomAD compares: Non-Finnish European, 0.00068%; no homozygotes.

Submissions (2):

Labcorp Genetics (formerly Invitae), Labcorp
Classification: Uncertain significance for Progressive sclerosing poliodystrophy. Last evaluated: 2023-10-11. Review status: criteria provided, single submitter. Criteria: Invitae Variant Classification Sherloc (09022015). Collection method: clinical testing. Allele origin: germline.
Comment: This sequence change replaces proline, which is neutral and non-polar, with threonine, which is neutral and polar, at codon 600 of the POLG protein (p.Pro600Thr). This variant is not present in population databases (gnomAD no frequency). This variant has not been reported in the literature in individuals affected with POLG-related conditions. ClinVar contains an entry for this variant (Variation ID: 2578221). Advanced modeling of protein sequence and biophysical properties (such as structural, functional, and spatial information, amino acid conservation, physicochemical variation, residue mobility, and thermodynamic stability) performed at Invitae indicates that this missense variant is expected to disrupt POLG protein function. In summary, the available evidence is currently insufficient to determine the role of this variant in disease. Therefore, it has been classified as a Variant of Uncertain Significance.

GeneDx
Classification: Uncertain significance. Last evaluated: 2023-08-30. Review status: criteria provided, single submitter. Criteria: GeneDx Variant Classification Process June 2021. Collection method: clinical testing. Allele origin: germline. Affected: yes.
Comment: Not observed at significant frequency in large population cohorts (gnomAD); In silico analysis supports that this missense variant has a deleterious effect on protein structure/function; Has not been previously published as pathogenic or benign to our knowledge

NM_002693.3(POLG):c.1798C>A (p.Pro600Thr)

Gene: POLG (DNA polymerase gamma, catalytic subunit; minus strand). Cytogenetic location: 15q26.1.
Variant type: single nucleotide variant.
Coding change: c.1798C>A on transcript NM_002693.3 (MANE Select); coding-DNA position 1798, C replaced by A.
Protein change: p.Pro600Thr; replaces proline 600 with threonine.
Molecular consequence: missense variant.
Genome position (GRCh38, 1-based): chr15:89,325,601, G>T on the plus strand (C>A on the coding strand, the complement: POLG is on the minus strand). VCF-style: chr15-89325601-G-T. GRCh37 (hg19) VCF-style: chr15-89868832-G-T.
Other names: c.1798C>A, p.Pro600Thr (NM_001126131.2); short protein forms P600T.
Identifiers: ClinVar variation 2578221 (VCV002578221.4), dbSNP rs759840237, ClinGen allele CA393759346.